The following is an entry in ClinVar:

NM_001378452.1(ITPR1):c.7660G>A (p.Gly2554Arg)

Genes: ITPR1 (inositol 1,4,5-trisphosphate receptor type 1; plus strand), LOC126806590 (MED14-independent group 3 enhancer GRCh37_chr3:4855759-4856958; plus strand). Cytogenetic location: 3p26.1.
Variant type: single nucleotide variant.
Coding change: c.7660G>A on transcript NM_001378452.1 (MANE Select); coding-DNA position 7660, G replaced by A.
Protein change: p.Gly2554Arg; replaces glycine 2554 with arginine.
Molecular consequence: missense variant.
Genome position (GRCh38, 1-based): chr3:4,814,521, G>A. VCF-style: chr3-4814521-G-A. GRCh37 (hg19) VCF-style: chr3-4856205-G-A.
Other names: ITPR1, GLY2539ARG, 7615G-A; c.7516G>A, p.Gly2506Arg (NM_001099952.4); c.7615G>A, p.Gly2539Arg (NM_001168272.2); c.7471G>A, p.Gly2491Arg (NM_002222.7); short protein forms G2539R, G2491R, G2506R, G2554R.
Identifiers: ClinVar variation 235922 (VCV000235922.57), dbSNP rs752281590, ClinGen allele CA2232931.

ClinVar aggregate classification (germline): Pathogenic/Likely pathogenic. Review status: criteria provided, multiple submitters, no conflicts (2 of 4 stars). 11 submissions from 11 submitters: Pathogenic (6); Likely pathogenic (3). 2 of the submissions do not count toward it. Last evaluated 2026-04-29.

Conditions:
ITPR1-related disorders.
ITPR1-related disorder. Also called: ITPR1-related condition.
Anterior segment dysgenesis. Also called: Ocular anterior segment dysgenesis. Identifiers: Orphanet 88632, MedGen C1862839, MONDO:0019503, HP:0007700.
Spinocerebellar ataxia type 29 (SCA29). Also called: CEREBELLAR ATAXIA, CONGENITAL NONPROGRESSIVE, AUTOSOMAL DOMINANT; Spinocerebellar ataxia 29, congenital nonprogressive. Identifiers: Orphanet 208513, MedGen C1861732, MONDO:0007298, OMIM 117360.
Inborn genetic diseases. Identifiers: MedGen C0950123, MeSH D030342.
Gillespie syndrome (GLSP). Also called: Aniridia, cerebellar ataxia, and mental deficiency; Aniridia-cerebellar ataxia-intellectual disability syndrome. Identifiers: Orphanet 1065, MedGen C0431401, MONDO:0008795, OMIM 206700.

Allele frequency attached by ClinVar (database versions not stated): gnomAD exomes below 0.00001; ExAC 0.00001.
gnomAD v4.1: 1 of 1,613,452 alleles (0.000062%); highest among the groups gnomAD compares: African/African-American, 0.0013%; no homozygotes.

Submissions (11):

Kasturba Medical College, Manipal, Kasturba Medical College, Manipal, Manipal Academy of Higher Education, Manipal, India
Classification: Likely pathogenic for ITPR1-related disorders. Last evaluated: 2026-04-29. Review status: criteria provided, single submitter. Criteria: ACMG Guidelines, 2015. Collection method: research. Allele origin: de novo. Inheritance: Autosomal dominant inheritance. Affected: yes. Observed: 1 variant allele, 1 heterozygote.
Comment: The variant is not present in homozygous and/or heterozygous state in the gnomAD population database (v4.1.0) or in our in-house database of 4200 exomes. In-silico prediction tools (REVEL, CADD_phred) are consistent in predicting the variant to be damaging to the ITPR1 protein function.

GeneDx
Classification: Pathogenic. Last evaluated: 2025-05-29. Review status: criteria provided, single submitter. Criteria: GeneDx Variant Classification Process June 2021. Collection method: clinical testing. Allele origin: germline. Affected: yes.
Comment: In silico analysis supports that this missense variant has a deleterious effect on protein structure/function; This variant is associated with the following publications: (PMID: 28628100, 28135719, 32499604, 25533962, 34758253, 27108798, 31692161, 34008892, 28191889, 33726816, 31785789, 34145886, 28659154, 37541188, 35982159, 33057194, 37644014, 38459225, 38693247, 37964426)

PreventionGenetics, part of Exact Sciences
Classification: Pathogenic for ITPR1-related condition. Last evaluated: 2025-01-07. Review status: criteria provided, single submitter. Criteria: ACMG Guidelines, 2015. Collection method: clinical testing. Allele origin: germline.
Comment: The ITPR1 c.7471G>A variant is predicted to result in the amino acid substitution p.Gly2491Arg. This variant has been reported as either a recurrent de novo finding or inherited (1 case) in several individuals with autosomal dominant Gillespie syndrome or spinocerebellar ataxia (reported as c.7615G>A/p.Gly2539Arg using the alternative transcript NM_001168272 in McEntagart et al. 2016. PubMed ID: 27108798; reported as c.7516G>A/p.G2506R using alternative transcript NM_001099952 in Zambonin et al. 2017. PubMed ID: 28659154). This variant is reported in 0.0065% of alleles in individuals of African descent in gnomAD; however, this frequency represents a single heterozygous individual in gnomAD, and the data appears unreliable. This variant is interpreted as pathogenic.

Labcorp Genetics (formerly Invitae), Labcorp
Classification: Pathogenic. Last evaluated: 2024-08-13. Review status: criteria provided, single submitter. Criteria: Invitae Variant Classification Sherloc (09022015). Collection method: clinical testing. Allele origin: germline.
Comment: This sequence change replaces glycine, which is neutral and non-polar, with arginine, which is basic and polar, at codon 2491 of the ITPR1 protein (p.Gly2491Arg). This variant is present in population databases (rs752281590, gnomAD 0.007%). This missense change has been observed in individual(s) with Gillespie syndrome (PMID: 27108798). In at least one individual the variant was observed to be de novo. This variant is also known as c.7615G>A (p.Gly2539Arg). ClinVar contains an entry for this variant (Variation ID: 235922). Invitae Evidence Modeling of protein sequence and biophysical properties (such as structural, functional, and spatial information, amino acid conservation, physicochemical variation, residue mobility, and thermodynamic stability) indicates that this missense variant is expected to disrupt ITPR1 protein function with a positive predictive value of 95%. For these reasons, this variant has been classified as Pathogenic.

Blueprint Genetics
Classification: Pathogenic for ITPR1-related disorders. Last evaluated: 2022-09-07. Review status: criteria provided, single submitter. Criteria: ACMG Guidelines, 2015. Collection method: clinical testing. Allele origin: germline. Affected: yes. Observed: 1 variant allele.

CeGaT Center for Human Genetics Tuebingen
Classification: Pathogenic. Last evaluated: 2019-01-01. Review status: criteria provided, single submitter. Criteria: CeGaT Center For Human Genetics Tuebingen Variant Classification Criteria Version 2. Collection method: clinical testing. Allele origin: germline. Affected: yes. Observed: 3 variant alleles.

Laboratory of Medical Genetics, National & Kapodistrian University of Athens
Classification: Likely pathogenic for Gillespie syndrome. Last evaluated: 2018-05-09. Review status: criteria provided, single submitter. Criteria: ACMG Guidelines, 2015. Collection method: clinical testing. Allele origin: de novo. Affected: yes.
Comment: PS3,PM6,PP2,PP3

Ambry Genetics
Classification: Pathogenic for Inborn genetic diseases. Last evaluated: 2016-12-15. Review status: criteria provided, single submitter. Criteria: Ambry exome assertion method (8-5-2015). Collection method: clinical testing. Allele origin: germline. Affected: yes. Observed: 1 variant allele.

Genomics England Pilot Project, Genomics England
Classification: Likely pathogenic for Spinocerebellar ataxia type 29. Review status: criteria provided, single submitter. Criteria: ACGS Guidelines, 2016. Collection method: clinical testing. Allele origin: germline. Affected: yes.

Eye Genetics Research Group, Children's Medical Research Institute
Classification: Likely pathogenic for Anterior segment dysgenesis. Last evaluated: 2020-03-31. Review status: no assertion criteria provided. Collection method: clinical testing. Allele origin: de novo. Affected: yes. Not counted in ClinVar's aggregate classification.

OMIM
Classification: Pathogenic for GILLESPIE SYNDROME. Last evaluated: 2016-07-20. Review status: no assertion criteria provided. Collection method: literature only. Allele origin: germline. Not counted in ClinVar's aggregate classification.

Literature cited by the submitters: PubMed 27108798 (cited by 3 submitters); PubMed 32499604 (cited by Eye Genetics Research Group, Children's Medical Research Institute).